The following is an entry in ClinVar:

ClinVar aggregate classification (germline): Uncertain significance (0 of 4 stars; one submission).

Conditions:
ARMC5-related disorder. Also called: ARMC5-related condition.

gnomAD v4.1: 16 of 1,583,818 alleles (0.001%); highest among the groups gnomAD compares: African/African-American, 0.0013%; no homozygotes.

Submission:

PreventionGenetics, part of Exact Sciences
Classification: Uncertain significance for ARMC5-related condition. Last evaluated: 2024-04-09. Review status: no assertion criteria provided. Collection method: clinical testing. Allele origin: germline.
Comment: The ARMC5 c.1846C>T variant is predicted to result in the amino acid substitution p.Arg616Cys. To our knowledge, this variant has not been reported in the literature. This variant is reported in 0.012% of alleles in individuals of African descent in gnomAD. Although we suspect that this variant may be benign, at this time, the clinical significance of this variant is uncertain due to the absence of conclusive functional and genetic evidence.

NM_001105247.2(ARMC5):c.1561C>T (p.Arg521Cys)

Gene: ARMC5 (armadillo repeat containing 5; plus strand). Cytogenetic location: 16p11.2.
Variant type: single nucleotide variant.
Coding change: c.1561C>T on transcript NM_001105247.2 (MANE Select); coding-DNA position 1561, C replaced by T.
Protein change: p.Arg521Cys; replaces arginine 521 with cysteine.
Molecular consequence: missense variant.
Genome position (GRCh38, 1-based): chr16:31,464,584, C>T. VCF-style: chr16-31464584-C-T. GRCh37 (hg19) VCF-style: chr16-31475905-C-T.
Other names: c.1846C>T, p.Arg616Cys (NM_001288767.2); c.1657C>T, p.Arg553Cys (NM_001301820.1); c.1561C>T, p.Arg521Cys (NM_024742.2); short protein forms R521C, R553C, R616C.
Identifiers: ClinVar variation 3355753 (VCV003355753.1).
Genomic context (GRCh38, chr16:31,464,584, plus strand): 5'-CCACGCACCCAACGCACTCCGGGCCGCAGCCCCGCCGCCGCCATCGAGGAGCCTTGGGGA[C>T]GCGAAGGGCCAGCCCTGCTGCTGCTGTCGCGCTTTTCCCAGGCCCCTGACCCAAGTGGGG-3'
Protein context (NP_001098717.1, residues 511-531): PAAAIEEPWG[Arg521Cys]EGPALLLLSR